The following is an entry in ClinVar:

ClinVar aggregate classification (germline): Uncertain significance (1 of 4 stars; one submission).

gnomAD v4.1: 1 of 1,612,148 alleles (0.000062%); highest among the groups gnomAD compares: Non-Finnish European, 0.000085%; no homozygotes.

Submission:

Dasa
Classification: Uncertain significance. Last evaluated: 2025-11-07. Review status: criteria provided, single submitter. Criteria: DASA Assertion Criteria. Collection method: clinical testing. Allele origin: germline.
Comment: NM_170606.3(KMT2C):c.5018C>G (p.Thr1673Ser) is a missense variant that results in the substitution of threonine with serine. This variant is rare in population databases. The currently available literature and clinical evidence are not sufficient to establish a definitive association between this variant and the reported condition. Therefore, this variant is classified as a variant of uncertain significance.

NM_170606.3(KMT2C):c.5018C>G (p.Thr1673Ser)

Gene: KMT2C (lysine methyltransferase 2C; minus strand). Cytogenetic location: 7q36.1.
Variant type: single nucleotide variant.
Coding change: c.5018C>G on transcript NM_170606.3 (MANE Select); coding-DNA position 5018, C replaced by G.
Protein change: p.Thr1673Ser; replaces threonine 1673 with serine.
Molecular consequence: missense variant.
Genome position (GRCh38, 1-based): chr7:152,185,622, G>C on the plus strand (C>G on the coding strand, the complement: KMT2C is on the minus strand). VCF-style: chr7-152185622-G-C. GRCh37 (hg19) VCF-style: chr7-151882707-G-C.
Other names: short protein forms T1673S.
Identifiers: ClinVar variation 4881277 (VCV004881277.2).
Genomic context (GRCh38, chr7:152,185,622, plus strand): 5'-TATGGTGCTCTTTCTTGTGAGCTTGCTTTTCTCCACAATTTGGCAATTTGCTTCACTCTA[G>C]TAGTCCAATCTGCAACAAAAGAACAGAGTATAACACTTTCTCAGAGCCATGCTAATGATG-3'
Protein context (NP_733751.2, residues 1663-1683): NLKEEFPDWT[Thr1673Ser]RVKQIAKLWR